The following is an entry in ClinVar:

NM_130837.3(OPA1):c.2231A>G (p.Lys744Arg)

Gene: OPA1 (OPA1 mitochondrial dynamin like GTPase; plus strand). Cytogenetic location: 3q29.
Variant type: single nucleotide variant.
Coding change: c.2231A>G on transcript NM_130837.3 (MANE Select); coding-DNA position 2231, A replaced by G.
Protein change: p.Lys744Arg; replaces lysine 744 with arginine.
Molecular consequence: missense variant.
Genome position (GRCh38, 1-based): chr3:193,657,132, A>G. VCF-style: chr3-193657132-A-G. GRCh37 (hg19) VCF-style: chr3-193374921-A-G.
Other names: c.1697A>G, p.Lys566Arg (NM_001354663.2); c.1694A>G, p.Lys565Arg (NM_001354664.2); c.2066A>G, p.Lys689Arg (NM_015560.3); c.1958A>G, p.Lys653Arg (NM_130831.3); c.2012A>G, p.Lys671Arg (NM_130832.3); c.2069A>G, p.Lys690Arg (NM_130833.3); c.2120A>G, p.Lys707Arg (NM_130834.3); c.2123A>G, p.Lys708Arg (NM_130835.3); and 1 more; short protein forms K565R, K566R, K653R, K671R, K689R, K690R, K707R, K708R.
Identifiers: ClinVar variation 4282165 (VCV004282165.1).

ClinVar aggregate classification (germline): Uncertain significance (1 of 4 stars; one submission).

Submission:

GeneDx
Classification: Uncertain significance. Last evaluated: 2025-04-17. Review status: criteria provided, single submitter. Criteria: GeneDx Variant Classification Process June 2021. Collection method: clinical testing. Allele origin: germline. Affected: yes.
Comment: Not observed at significant frequency in large population cohorts (gnomAD); In silico analysis indicates that this missense variant does not alter protein structure/function; Has not been previously published as pathogenic or benign to our knowledge